The following is an entry in ClinVar:

NM_016953.4(PDE11A):c.2334G>A (p.Thr778=)

Genes: PDE11A (phosphodiesterase 11A; minus strand), PDE11A-AS1 (PDE11A antisense RNA 1; plus strand). Cytogenetic location: 2q31.2.
Variant type: single nucleotide variant.
Coding change: c.2334G>A on transcript NM_016953.4 (MANE Select); coding-DNA position 2334, G replaced by A.
Protein change: p.Thr778=; no amino-acid change (threonine 778 retained).
Molecular consequence: synonymous variant.
Genome position (GRCh38, 1-based): chr2:177,697,343, C>T on the plus strand (G>A on the coding strand, the complement: PDE11A is on the minus strand). VCF-style: chr2-177697343-C-T. GRCh37 (hg19) VCF-style: chr2-178562071-C-T.
Other names: c.1002G>A, p.Thr334= (NM_001077196.2); c.1584G>A, p.Thr528= (NM_001077197.2); c.1260G>A, p.Thr420= (NM_001077358.2).
Identifiers: ClinVar variation 709623 (VCV000709623.5), dbSNP rs146436478, ClinGen allele CA1981615.

ClinVar aggregate classification (germline): Benign. Review status: criteria provided, single submitter (1 of 4 stars). 2 submissions from 2 submitters: Benign (1). 1 of the submissions does not count toward it. Last evaluated 2018-04-04.

Conditions:
PDE11A-related disorder. Also called: PDE11A-related condition.

Allele frequency attached by ClinVar (database versions not stated): gnomAD exomes 0.00010 and 0.00032; ExAC 0.00036; gnomAD 0.00106 and 0.00113; 1000 Genomes Project 30x 0.00109; TOPMed 0.00119; ESP Exome Variant Server 0.00138; 1000 Genomes Project 0.00140.
gnomAD v4.1: 310 of 1,537,820 alleles (0.02%); highest among the groups gnomAD compares: African/African-American, 0.34%; no homozygotes.

Submissions (2):

Labcorp Genetics (formerly Invitae), Labcorp
Classification: Benign. Last evaluated: 2018-04-04. Review status: criteria provided, single submitter. Criteria: Invitae Variant Classification Sherloc (09022015). Collection method: clinical testing. Allele origin: germline.

PreventionGenetics, part of Exact Sciences
Classification: Likely benign for PDE11A-related condition. Last evaluated: 2020-01-03. Review status: no assertion criteria provided. Collection method: clinical testing. Allele origin: germline. Not counted in ClinVar's aggregate classification.
Comment: This variant is classified as likely benign based on ACMG/AMP sequence variant interpretation guidelines (Richards et al. 2015 PMID: 25741868, with internal and published modifications).